The following is an entry in ClinVar:

ClinVar aggregate classification (germline): Conflicting classifications of pathogenicity. Review status: criteria provided, conflicting classifications (1 of 4 stars). 2 submissions from 2 submitters: Uncertain significance (1); Likely benign (1). Last evaluated 2024-11-26.

Conditions:
Hereditary cancer-predisposing syndrome. Also called: Tumor predisposition; Hereditary neoplastic syndrome; Hereditary Cancer Syndrome; Neoplastic Syndromes, Hereditary. Identifiers: Orphanet 140162, MedGen C0027672, MeSH D009386, MONDO:0015356.

Allele frequency attached by ClinVar (database versions not stated): gnomAD exomes below 0.00001 and 0.00001; ExAC 0.00002; gnomAD 0.00003; TOPMed 0.00003; ESP Exome Variant Server 0.00008.
gnomAD v4.1: 6 of 1,613,984 alleles (0.00037%); highest among the groups gnomAD compares: African/African-American, 0.008%; no homozygotes.

Submissions (2):

Labcorp Genetics (formerly Invitae), Labcorp
Classification: Uncertain significance. Last evaluated: 2024-11-26. Review status: criteria provided, single submitter. Criteria: Invitae Variant Classification Sherloc (09022015). Collection method: clinical testing. Allele origin: germline.
Comment: This sequence change replaces serine, which is neutral and polar, with asparagine, which is neutral and polar, at codon 252 of the SMARCB1 protein (p.Ser252Asn). This variant is present in population databases (rs372924301, gnomAD 0.02%). This variant has not been reported in the literature in individuals affected with SMARCB1-related conditions. ClinVar contains an entry for this variant (Variation ID: 577001). Invitae Evidence Modeling of protein sequence and biophysical properties (such as structural, functional, and spatial information, amino acid conservation, physicochemical variation, residue mobility, and thermodynamic stability) indicates that this missense variant is not expected to disrupt SMARCB1 protein function with a negative predictive value of 80%. In summary, the available evidence is currently insufficient to determine the role of this variant in disease. Therefore, it has been classified as a Variant of Uncertain Significance.

Ambry Genetics
Classification: Likely benign for Hereditary cancer-predisposing syndrome. Last evaluated: 2024-07-10. Review status: criteria provided, single submitter. Criteria: Ambry Variant Classification Scheme 2023. Collection method: clinical testing. Allele origin: germline.

NM_003073.5(SMARCB1):c.755G>A (p.Ser252Asn)

Gene: SMARCB1 (SWI/SNF related BAF chromatin remodeling complex subunit B1; plus strand). Cytogenetic location: 22q11.23.
Variant type: single nucleotide variant.
Coding change: c.755G>A on transcript NM_003073.5 (MANE Select); coding-DNA position 755, G replaced by A.
Protein change: p.Ser252Asn; replaces serine 252 with asparagine.
Molecular consequence: missense variant.
Genome position (GRCh38, 1-based): chr22:23,816,896, G>A. VCF-style: chr22-23816896-G-A. GRCh37 (hg19) VCF-style: chr22-24159083-G-A.
Other names: c.755G>A (LRG_520t1); c.728G>A, p.Ser243Asn (NM_001007468.3); c.782G>A, p.Ser261Asn (NM_001317946.2); c.809G>A, p.Ser270Asn (NM_001362877.2); short protein forms S252N, S243N, S261N, S270N.
Identifiers: ClinVar variation 577001 (VCV000577001.11), dbSNP rs372924301, ClinGen allele CA10146040.
Genomic context (GRCh38, chr22:23,816,896, plus strand): 5'-CGTTTGTGCCAGCCATCGCCTCTGCCATCAGACAGCAGATCGAGTCCTACCCCACGGACA[G>A]CATCCTGGAGGACCAGTCAGACCAGCGCGTCATCATCAAGGTAGGTGACTTCTCACCCAG-3'
Protein context (NP_003064.2, residues 242-262): RQQIESYPTD[Ser252Asn]ILEDQSDQRV